The following is an entry in ClinVar:

ClinVar aggregate classification (germline): Likely benign (1 of 4 stars; one submission).

Conditions:
PRKDC-related disorder. Also called: PRKDC-related condition.

gnomAD v4.1: 3 of 1,608,678 alleles (0.00019%); highest among the groups gnomAD compares: Middle Eastern, 0.017%; no homozygotes.

Submission:

PreventionGenetics, part of Exact Sciences
Classification: Likely benign for PRKDC-related condition. Last evaluated: 2026-02-02. Review status: criteria provided, single submitter. Criteria: ACMG Guidelines, 2015. Collection method: clinical testing. Allele origin: germline.
Comment: This variant is classified as likely benign based on ACMG/AMP sequence variant interpretation guidelines (Richards et al. 2015 PMID: 25741868, with internal and published modifications).

NM_006904.7(PRKDC):c.721+6G>A

Gene: PRKDC (protein kinase, DNA-activated, catalytic subunit; minus strand). Cytogenetic location: 8q11.21.
Variant type: single nucleotide variant.
Coding change: c.721+6G>A on transcript NM_006904.7 (MANE Select); 6 bases into the intron after coding-DNA position 721, G replaced by A.
Molecular consequence: intron variant.
Genome position (GRCh38, 1-based): chr8:47,953,614, C>T on the plus strand (G>A on the coding strand, the complement: PRKDC is on the minus strand). VCF-style: chr8-47953614-C-T. GRCh37 (hg19) VCF-style: chr8-48866174-C-T.
Other names: c.721+6G>A (NM_001081640.2).
Identifiers: ClinVar variation 4996329 (VCV004996329.1).